The following is an entry in ClinVar:

ClinVar aggregate classification (germline): Pathogenic. Review status: criteria provided, multiple submitters, no conflicts (2 of 4 stars). 2 submissions from 2 submitters: Pathogenic (2). Last evaluated 2026-05-11.

Conditions:
Mitochondrial hypertrophic cardiomyopathy with lactic acidosis due to MTO1 deficiency. Also called: CARDIOMYOPATHY, INFANTILE HYPERTROPHIC MITOCHONDRIAL, AND LACTIC ACIDOSIS; Combined oxidative phosphorylation deficiency 10. Identifiers: Orphanet 314637, MedGen C4749921, MONDO:0013865, OMIM 614702.

Submissions (2):

Women's Health and Genetics/Laboratory Corporation of America, LabCorp
Classification: Pathogenic for Mitochondrial hypertrophic cardiomyopathy with lactic acidosis due to MTO1 deficiency. Last evaluated: 2026-05-11. Review status: criteria provided, single submitter. Criteria: LabCorp Variant Classification Summary - May 2015. Collection method: clinical testing. Allele origin: germline.
Comment: Variant summary: MTO1 c.1136delG (p.Gly379ValfsX7) results in a premature termination codon, predicted to cause a truncation of the encoded protein or absence of the protein due to nonsense mediated decay, which are commonly known mechanisms for disease. The variant allele was found at a frequency of 1.2e-05 in 251430 control chromosomes. To our knowledge, no occurrence of c.1136delG in individuals affected with MTO1-related conditions and no experimental evidence demonstrating its impact on protein function have been reported. ClinVar contains an entry for this variant (Variation ID: 1979871). Based on the evidence outlined above, the variant was classified as pathogenic.

Labcorp Genetics (formerly Invitae), Labcorp
Classification: Pathogenic for Mitochondrial hypertrophic cardiomyopathy with lactic acidosis due to MTO1 deficiency. Last evaluated: 2022-04-12. Review status: criteria provided, single submitter. Criteria: Invitae Variant Classification Sherloc (09022015). Collection method: clinical testing. Allele origin: germline.
Comment: For these reasons, this variant has been classified as Pathogenic. This variant has not been reported in the literature in individuals affected with MTO1-related conditions. This variant is present in population databases (rs746293185, gnomAD 0.009%). This sequence change creates a premature translational stop signal (p.Gly379Valfs*7) in the MTO1 gene. It is expected to result in an absent or disrupted protein product. Loss-of-function variants in MTO1 are known to be pathogenic (PMID: 22608499, 25058219).

Literature cited by the submitters: PubMed 22608499 (cited by Labcorp Genetics (formerly Invitae), Labcorp); PubMed 25058219 (cited by Labcorp Genetics (formerly Invitae), Labcorp).

NM_012123.4(MTO1):c.1136del (p.Gly379fs)

Gene: MTO1 (mitochondrial tRNA translation optimization 1; plus strand). Cytogenetic location: 6q13.
Variant type: Deletion.
Coding change: c.1136del on transcript NM_012123.4 (MANE Select); coding-DNA position 1136, one base deleted (G; older notation c.1136delG).
Protein change: p.Gly379fs; shifts the reading frame from glycine 379.
Molecular consequence: frameshift variant.
Genome position (GRCh38, 1-based): chr6:73,480,681, G deleted; the last of 2 consecutive G bases (chr6:73,480,680-73,480,681); deleting either gives the same sequence. VCF-style (leftmost placement, unchanged base first): chr6-73480679-CG-C. GRCh37 (hg19) VCF-style: chr6-74190402-CG-C.
Other names: c.1136del, p.Gly379fs (NM_001123226.2); c.1211del, p.Gly404fs (NM_133645.3); c.1136delG (NM_012123.4); short protein forms G379fs, G404fs.
Identifiers: ClinVar variation 1979871 (VCV001979871.5), dbSNP rs746293185, ClinGen allele CA3889549.